The following is an entry in ClinVar:

ClinVar aggregate classification (germline): Likely benign. Review status: criteria provided, multiple submitters, no conflicts (2 of 4 stars). 2 submissions from 2 submitters: Likely benign (2). Last evaluated 2023-02-01.

Allele frequency attached by ClinVar (database versions not stated): 1000 Genomes Project 30x 0.00125; 1000 Genomes Project 0.00140; gnomAD exomes 0.00278; ExAC 0.00279; gnomAD 0.00325 and 0.00329; TOPMed 0.00328; ESP Exome Variant Server 0.00469.
gnomAD v4.1: 6,205 of 1,613,910 alleles (0.38%); highest among the groups gnomAD compares: Non-Finnish European, 0.48%; 55 homozygotes.

Submissions (2):

CeGaT Center for Human Genetics Tuebingen
Classification: Likely benign. Last evaluated: 2023-02-01. Review status: criteria provided, single submitter. Criteria: CeGaT Center For Human Genetics Tuebingen Variant Classification Criteria Version 2. Collection method: clinical testing. Allele origin: germline. Affected: yes. Observed: 2 variant alleles.
Comment: UGT2B15: BP4, BS2

Labcorp Genetics (formerly Invitae), Labcorp
Classification: Likely benign. Last evaluated: 2018-06-01. Review status: criteria provided, single submitter. Criteria: Invitae Variant Classification Sherloc (09022015). Collection method: clinical testing. Allele origin: germline.

NM_001076.4(UGT2B15):c.1408C>T (p.Arg470Cys)

Gene: UGT2B15 (UDP glucuronosyltransferase family 2 member B15; minus strand). Cytogenetic location: 4q13.2.
Variant type: single nucleotide variant.
Coding change: c.1408C>T on transcript NM_001076.4 (MANE Select); coding-DNA position 1408, C replaced by T.
Protein change: p.Arg470Cys; replaces arginine 470 with cysteine.
Molecular consequence: missense variant.
Genome position (GRCh38, 1-based): chr4:68,647,289, G>A on the plus strand (C>T on the coding strand, the complement: UGT2B15 is on the minus strand). VCF-style: chr4-68647289-G-A. GRCh37 (hg19) VCF-style: chr4-69513007-G-A.
Other names: short protein forms R470C.
Identifiers: ClinVar variation 782091 (VCV000782091.27), dbSNP rs147164238, ClinGen allele CA2942401.